The following is an entry in ClinVar:

NM_002437.5(MPV17):c.280-1dup

Gene: MPV17 (mitochondrial inner membrane protein MPV17; minus strand). Cytogenetic location: 2p23.3.
Variant type: Duplication.
Coding change: c.280-1dup on transcript NM_002437.5 (MANE Select); the canonical splice acceptor site of the intron before coding-DNA position 280, one base duplicated (G; older notation c.280-1dupG).
Molecular consequence: splice acceptor variant.
Genome position (GRCh38, 1-based): chr2:27,312,585, C duplicated on the plus strand (G on the coding strand, the reverse complement: MPV17 is on the minus strand); the first of 6 consecutive C bases (chr2:27,312,585-27,312,590); duplicating any one gives the same sequence. VCF-style (leftmost placement, unchanged base first): chr2-27312584-G-GC. GRCh37 (hg19) VCF-style: chr2-27535451-G-GC.
Other names: c.284dupG (NM_002437.5); c.284dup (NM_002437.5, NM_002437.4).
Identifiers: ClinVar variation 290443 (VCV000290443.31), dbSNP rs766160589, ClinGen allele CA1575594.

ClinVar aggregate classification (germline): Pathogenic. Review status: criteria provided, multiple submitters, no conflicts (2 of 4 stars). 13 submissions from 13 submitters: Pathogenic (12). 1 of the submissions does not count toward it. Last evaluated 2026-01-20.

Conditions:
Charcot-Marie-Tooth disease, axonal, type 2EE. Also called: CHARCOT-MARIE-TOOTH NEUROPATHY, TYPE 2EE. Identifiers: MedGen C5193076, MONDO:0032728, OMIM 618400.
Mitochondrial DNA depletion syndrome, hepatocerebral form. Identifiers: Orphanet 254871, MedGen C3711385, MONDO:0100512.
Mitochondrial DNA depletion syndrome 6 (hepatocerebral type). Also called: Navajo neurohepatopathy; NAVAJO NEUROPATHY; Mitochondrial DNA depletion syndrome type 6. Identifiers: Orphanet 255229, MedGen C1850406, MONDO:0009747, OMIM 256810.

Submissions (13):

Natera, Inc.
Classification: Pathogenic for Mitochondrial DNA depletion syndrome, hepatocerebral form. Last evaluated: 2026-01-20. Review status: criteria provided, single submitter. Criteria: Natera Variant Classification Schema (03/2026). Collection method: clinical testing. Allele origin: germline.
Comment: The c.284dupG variant in MPV17 is a frameshift variant predicted to shift the reading frame beginning at codon 96 and leads to a stop codon 17 codons downstream. This variant is expected to result in nonsense mediated decay, truncation, or a dysfunctional protein product. This variant is rare in the general population with a frequency below the threshold expected for the associated phenotype(s). This variant has been observed in one or more individuals affected with the associated recessive disease, as either homozygous or compound heterozygous with a second variant (PMID: 27848944). Given the available evidence, this variant is classified as Pathogenic.

Labcorp Genetics (formerly Invitae), Labcorp
Classification: Pathogenic. Last evaluated: 2026-01-14. Review status: criteria provided, single submitter. Criteria: Invitae Variant Classification Sherloc (09022015). Collection method: clinical testing. Allele origin: germline.
Comment: This sequence change creates a premature translational stop signal (p.Phe96Leufs*17) in the MPV17 gene. It is expected to result in an absent or disrupted protein product. Loss-of-function variants in MPV17 are known to be pathogenic (PMID: 23714749). This variant is present in population databases (rs766160589, gnomAD 0.01%). This premature translational stop signal has been observed in individual(s) with clinical features of mitochondrial DNA maintenance defect (PMID: 27848944, 29282788). ClinVar contains an entry for this variant (Variation ID: 290443). For these reasons, this variant has been classified as Pathogenic.

Clinical Genetics Laboratory, Skane University Hospital Lund
Classification: Pathogenic for Mitochondrial DNA depletion syndrome 6 (hepatocerebral type). Last evaluated: 2025-12-30. Review status: criteria provided, single submitter. Criteria: ACMG Guidelines, 2015. Collection method: clinical testing. Allele origin: germline. Inheritance: Autosomal recessive inheritance. Affected: yes.
Comment: ACMG criteria used: PVS1, PM2, PM3_strong and PP1

Dasa
Classification: Pathogenic. Last evaluated: 2025-09-08. Review status: criteria provided, single submitter. Criteria: DASA Assertion Criteria. Collection method: clinical testing. Allele origin: germline.
Comment: NM_002437.5(MPV17):c.284dup (p.Phe96Leufs*17) introduces a premature termination codon predicted to result in loss of normal protein function. Loss-of-function is an established mechanism of disease for this gene. This variant has been reported in an affected individual with related phenotype in a genotype context consistent with recessive disease (PMID: 29282788). The variant is present at low frequency in population datasets. Based on the available data, this variant is classified as pathogenic.

3billion
Classification: Pathogenic for Mitochondrial DNA depletion syndrome 6 (hepatocerebral type). Last evaluated: 2024-08-29. Review status: criteria provided, single submitter. Criteria: ACMG Guidelines, 2015. Collection method: clinical testing. Allele origin: germline. Affected: yes.
Comment: The variant is observed at an extremely low frequency in the gnomAD v4.0.0 dataset (total allele frequency: 0.001%). Predicted Consequence/Location: Frameshift: predicted to result in a loss or disruption of normal protein function through nonsense-mediated decay (NMD) or protein truncation. Multiple pathogenic variants are reported downstream of the variant. The variant has been reported to be in trans with a pathogenic variant as either compound heterozygous or homozygous in at least one similarly affected unrelated individual (PMID: 27848944). The variant has been reported at least twice as pathogenic with clinical assertions and evidence for the classification (ClinVar ID: VCV000290443 /PMID: 27848944 /3billion dataset). Therefore, this variant is classified as Pathogenic according to the recommendation of ACMG/AMP guideline.

Baylor Genetics
Classification: Pathogenic for Charcot-Marie-Tooth disease, axonal, type 2EE. Last evaluated: 2024-03-28. Review status: criteria provided, single submitter. Criteria: ACMG Guidelines, 2015. Collection method: clinical testing. Allele origin: unknown.

Neuberg Centre For Genomic Medicine, NCGM
Classification: Pathogenic for Mitochondrial DNA depletion syndrome 6 (hepatocerebral type). Last evaluated: 2023-05-20. Review status: criteria provided, single submitter. Criteria: ACMG Guidelines, 2015. Collection method: clinical testing. Allele origin: germline. Inheritance: Autosomal recessive inheritance. Affected: yes.
Comment: The observed frameshift c.284dup(p.Phe96LeufsTer17) variant in MPV17 gene has been reported previously in homozygous state in individual(s) affected with mitochondrial DNA maintenance defects (El-Hattab et al., 2018). This variant is reported with the allele frequency of 0.002% in the gnomAD Exomes. This variant has been reported to the ClinVar database as Pathogenic (multiple submitters). This variant causes a frameshift starting with codon Phenylalanine 96, changes this amino acid to Leucine residue, and creates a premature Stop codon at position 17 of the new reading frame, denoted p.Phe96LeufsTer17. This variant is predicted to cause loss of normal protein function through protein truncation. It is expected to result in an absent or disrupted protein product. Loss-of-function variants in MPV17 are known to be pathogenic (Uusimaa et al., 2014). For these reasons, this variant has been classified as Pathogenic. In the absence of another reportable variant, the molecular diagnosis is not confirmed.

Revvity Omics, Revvity
Classification: Pathogenic. Last evaluated: 2022-07-18. Review status: criteria provided, single submitter. Criteria: ACMG Guidelines, 2015. Collection method: clinical testing. Allele origin: germline.

Mayo Clinic Laboratories, Mayo Clinic
Classification: Pathogenic. Last evaluated: 2021-04-16. Review status: criteria provided, single submitter. Criteria: ACMG Guidelines, 2015. Collection method: clinical testing. Allele origin: germline.
Comment: PVS1, PS4_moderate, PM2, PM3

Wong Mito Lab, Molecular and Human Genetics, Baylor College of Medicine
Classification: Pathogenic for Mitochondrial DNA depletion syndrome 6. Last evaluated: 2017-12-01. Review status: criteria provided, single submitter. Criteria: ACMG Guidelines, 2015. Collection method: clinical testing. Allele origin: germline. Affected: yes.

Eurofins Ntd Llc (ga)
Classification: Pathogenic. Last evaluated: 2016-08-16. Review status: criteria provided, single submitter. Criteria: EGL Classification Definitions. Collection method: clinical testing. Allele origin: germline. Observed: 1 variant allele, 1 homozygote.

GeneDx
Classification: Pathogenic. Last evaluated: 2015-06-15. Review status: criteria provided, single submitter. Criteria: GeneDx Variant Classification (06012015). Collection method: clinical testing. Allele origin: germline. Affected: yes.
Comment: The c.284dupG variant ispredicted to cause loss of normal protein function either through protein truncation or nonsense-mediated mRNA decay. Although this duplication has not been previously reported to our knowledge, itis expected to be a pathogenic variant.

Genomic Medicine Center of Excellence, King Faisal Specialist Hospital and Research Centre
Classification: Uncertain significance for Mitochondrial DNA depletion syndrome 6 (hepatocerebral type). Last evaluated: 2024-03-29. Review status: flagged submission. Criteria: ACMG Guidelines, 2015. Collection method: clinical testing. Allele origin: germline. Not counted in ClinVar's aggregate classification.
ClinVar note: Reason: Outlier claim with insufficient supporting evidence

Literature cited by the submitters: PubMed 27848944 (cited by 4 submitters); PubMed 23714749 (cited by Labcorp Genetics (formerly Invitae), Labcorp); PubMed 29282788 (cited by 3 submitters); PubMed 33258288 (cited by Mayo Clinic Laboratories, Mayo Clinic).